The following is an entry in ClinVar:

ClinVar aggregate classification (germline): Uncertain significance. Review status: criteria provided, multiple submitters, no conflicts (2 of 4 stars). 2 submissions from 2 submitters: Uncertain significance (2). Last evaluated 2025-04-07.

Conditions:
TRIOBP-related disorder. Also called: TRIOBP-related condition.

gnomAD v4.1: 14 of 1,613,918 alleles (0.00087%); highest among the groups gnomAD compares: Admixed American, 0.022%; no homozygotes.

Submissions (2):

GeneDx
Classification: Uncertain significance. Last evaluated: 2025-04-07. Review status: criteria provided, single submitter. Criteria: GeneDx Variant Classification Process June 2021. Collection method: clinical testing. Allele origin: germline. Affected: yes.
Comment: In silico analysis indicates that this missense variant does not alter protein structure/function; Has not been previously published as pathogenic or benign to our knowledge

PreventionGenetics, part of Exact Sciences
Classification: Uncertain significance for TRIOBP-related condition. Last evaluated: 2025-03-18. Review status: criteria provided, single submitter. Criteria: ACMG Guidelines, 2015. Collection method: clinical testing. Allele origin: germline.
Comment: The TRIOBP c.842C>T variant is predicted to result in the amino acid substitution p.Pro281Leu. To our knowledge, this variant has not been reported in the literature. This variant is reported in 0.026% of alleles in individuals of Latino descent in gnomAD. At this time, the clinical significance of this variant is uncertain due to the absence of conclusive functional and genetic evidence.

NM_001039141.3(TRIOBP):c.842C>T (p.Pro281Leu)

Gene: TRIOBP (TRIO and F-actin binding protein; plus strand). Cytogenetic location: 22q13.1.
Variant type: single nucleotide variant.
Coding change: c.842C>T on transcript NM_001039141.3 (MANE Select); coding-DNA position 842, C replaced by T.
Protein change: p.Pro281Leu; replaces proline 281 with leucine.
Molecular consequence: missense variant.
Genome position (GRCh38, 1-based): chr22:37,723,398, C>T. VCF-style: chr22-37723398-C-T. GRCh37 (hg19) VCF-style: chr22-38119405-C-T.
Other names: short protein forms P281L.
Identifiers: ClinVar variation 4281722 (VCV004281722.2).